The following is an entry in ClinVar:

NM_001440.4(EXTL3):c.2009dup (p.Tyr670Ter)

Gene: EXTL3 (exostosin like glycosyltransferase 3; plus strand). Cytogenetic location: 8p21.1.
Variant type: Duplication.
Coding change: c.2009dup on transcript NM_001440.4 (MANE Select); coding-DNA position 2009, one base duplicated (A; older notation c.2009dupA).
Protein change: p.Tyr670Ter; replaces tyrosine 670 with a stop codon.
Molecular consequence: nonsense.
Genome position (GRCh38, 1-based): chr8:28,718,068, A duplicated. VCF-style (leftmost placement, unchanged base first): chr8-28718067-T-TA. GRCh37 (hg19) VCF-style: chr8-28575584-T-TA.
Other names: short protein forms Y670*.
Identifiers: ClinVar variation 1394264 (VCV001394264.6), dbSNP rs2130742371, ClinGen allele CA2573142690.

ClinVar aggregate classification (germline): Uncertain significance (1 of 4 stars; one submission).

Allele frequency attached by ClinVar (database versions not stated): gnomAD exomes below 0.00001.

Submission:

Labcorp Genetics (formerly Invitae), Labcorp
Classification: Uncertain significance. Last evaluated: 2023-08-04. Review status: criteria provided, single submitter. Criteria: Invitae Variant Classification Sherloc (09022015). Collection method: clinical testing. Allele origin: germline.
Comment: This sequence change creates a premature translational stop signal (p.Tyr670*) in the EXTL3 gene. It is expected to result in an absent or disrupted protein product. However, the current clinical and genetic evidence is not sufficient to establish whether loss-of-function variants in EXTL3 cause disease. This variant is not present in population databases (gnomAD no frequency). This variant has not been reported in the literature in individuals affected with EXTL3-related conditions. ClinVar contains an entry for this variant (Variation ID: 1394264). In summary, the available evidence is currently insufficient to determine the role of this variant in disease. Therefore, it has been classified as a Variant of Uncertain Significance.